The following is an entry in ClinVar:

NM_006939.4(SOS2):c.3027C>G (p.Asn1009Lys)

Gene: SOS2 (SOS Ras/Rho guanine nucleotide exchange factor 2; minus strand). Cytogenetic location: 14q21.3.
Variant type: single nucleotide variant.
Coding change: c.3027C>G on transcript NM_006939.4 (MANE Select); coding-DNA position 3027, C replaced by G.
Protein change: p.Asn1009Lys; replaces asparagine 1009 with lysine.
Molecular consequence: missense variant.
Genome position (GRCh38, 1-based): chr14:50,134,171, G>C on the plus strand (C>G on the coding strand, the complement: SOS2 is on the minus strand). VCF-style: chr14-50134171-G-C. GRCh37 (hg19) VCF-style: chr14-50600889-G-C.
Other names: c.2928C>G, p.Asn976Lys (NM_001411020.1); short protein forms N976K, N1009K.
Identifiers: ClinVar variation 2908785 (VCV002908785.3), dbSNP rs2502850663, ClinGen allele CA389641674.

ClinVar aggregate classification (germline): Uncertain significance (1 of 4 stars; one submission).

Conditions:
Noonan syndrome 9 (NS9). Identifiers: Orphanet 648, MedGen C4225282, MONDO:0014691, OMIM 616559.

gnomAD v4.1: 1 of 1,609,098 alleles (0.000062%); highest among the groups gnomAD compares: East Asian, 0.0022%; no homozygotes.

Submission:

Labcorp Genetics (formerly Invitae), Labcorp
Classification: Uncertain significance for Noonan syndrome 9. Last evaluated: 2023-06-27. Review status: criteria provided, single submitter. Criteria: Invitae Variant Classification Sherloc (09022015). Collection method: clinical testing. Allele origin: germline.
Comment: In summary, the available evidence is currently insufficient to determine the role of this variant in disease. Therefore, it has been classified as a Variant of Uncertain Significance. Advanced modeling of protein sequence and biophysical properties (such as structural, functional, and spatial information, amino acid conservation, physicochemical variation, residue mobility, and thermodynamic stability) performed at Invitae indicates that this missense variant is not expected to disrupt SOS2 protein function. This variant has not been reported in the literature in individuals affected with SOS2-related conditions. This variant is not present in population databases (gnomAD no frequency). This sequence change replaces asparagine, which is neutral and polar, with lysine, which is basic and polar, at codon 1009 of the SOS2 protein (p.Asn1009Lys).